The following is an entry in ClinVar:

NM_006892.4(DNMT3B):c.1557G>A (p.Gln519=)

Genes: DNMT3B (DNA methyltransferase 3 beta; plus strand), LOC126863014 (CDK7 strongly-dependent group 2 enhancer GRCh37_chr20:31385992-31387191; plus strand). Cytogenetic location: 20q11.21.
Variant type: single nucleotide variant.
Coding change: c.1557G>A on transcript NM_006892.4 (MANE Select); coding-DNA position 1557, G replaced by A.
Protein change: p.Gln519=; no amino-acid change (glutamine 519 retained).
Molecular consequence: synonymous variant.
Genome position (GRCh38, 1-based): chr20:32,798,526, G>A. VCF-style: chr20-32798526-G-A. GRCh37 (hg19) VCF-style: chr20-31386332-G-A.
Other names: c.1371G>A, p.Gln457= (NM_001207055.2); c.1269G>A, p.Gln423= (NM_001207056.2); c.1497G>A, p.Gln499= (NM_175848.2, NM_175849.2); c.1533G>A, p.Gln511= (NM_175850.3).
Identifiers: ClinVar variation 338169 (VCV000338169.40), dbSNP rs150314851, ClinGen allele CA9810632.

ClinVar aggregate classification (germline): Benign/Likely benign. Review status: criteria provided, multiple submitters, no conflicts (2 of 4 stars). 6 submissions from 6 submitters: Benign (4); Likely benign (1). 1 of the submissions does not count toward it. Last evaluated 2026-09-01.

Conditions:
DNMT3B-related disorder. Also called: DNMT3B-related condition.
Immunodeficiency-centromeric instability-facial anomalies syndrome 1 (ICF1). Identifiers: Orphanet 2268, MedGen C4551557, MONDO:0009454, OMIM 242860.
Centromeric instability of chromosomes 1,9 and 16 and immunodeficiency (ICF1). Also called: Immunodeficiency-centromeric instability-facial anomalies; CENTROMERIC INSTABILITY, IMMUNODEFICIENCY SYNDROME; IMMUNE DEFICIENCY, VARIABLE, WITH CENTROMERIC INSTABILITY OF CHROMOSOMES 1, 9, AND 16; IMMUNODEFICIENCY SYNDROME, VARIABLE. Identifiers: Orphanet 2268, MedGen C0398788, MONDO:0000133.

Allele frequency attached by ClinVar (database versions not stated): 1000 Genomes Project 0.00659; 1000 Genomes Project 30x 0.00781; gnomAD exomes 0.00055 and 0.00134; ExAC 0.00153; gnomAD 0.00401 and 0.00416; TOPMed 0.00444; ESP Exome Variant Server 0.00515.
gnomAD v4.1: 1,467 of 1,614,216 alleles (0.091%); highest among the groups gnomAD compares: African/African-American, 1.2%; 8 homozygotes.

Submissions (6):

CeGaT Center for Human Genetics Tuebingen
Classification: Likely benign. Last evaluated: 2026-09-01. Review status: criteria provided, single submitter. Criteria: CeGaT Center For Human Genetics Tuebingen Variant Classification Criteria Version 2. Collection method: clinical testing. Allele origin: germline. Affected: yes. Observed: 3 variant alleles.
Comment: DNMT3B: BP4, BP7, BS1

Labcorp Genetics (formerly Invitae), Labcorp
Classification: Benign for Centromeric instability of chromosomes 1,9 and 16 and immunodeficiency. Last evaluated: 2026-02-01. Review status: criteria provided, single submitter. Criteria: Invitae Variant Classification Sherloc (09022015). Collection method: clinical testing. Allele origin: germline.

ARUP Laboratories, Molecular Genetics and Genomics, ARUP Laboratories
Classification: Benign. Last evaluated: 2023-08-10. Review status: criteria provided, single submitter. Criteria: ARUP Molecular Germline Variant Investigation Process 2024. Collection method: clinical testing. Allele origin: germline.

Illumina Laboratory Services, Illumina
Classification: Benign for Immunodeficiency-centromeric instability-facial anomalies syndrome 1. Last evaluated: 2018-01-13. Review status: criteria provided, single submitter. Criteria: ICSL Variant Classification Criteria 13 December 2019. Collection method: clinical testing. Allele origin: germline.
Comment: This variant was observed in the ICSL laboratory as part of a predisposition screen in an ostensibly healthy population. It had not been previously curated by ICSL or reported in the Human Gene Mutation Database (HGMD: prior to June 1st, 2018), and was therefore a candidate for classification through an automated scoring system. Utilizing variant allele frequency, disease prevalence and penetrance estimates, and inheritance mode, an automated score was calculated to assess if this variant is too frequent to cause the disease. Based on the score and internal cut-off values, a variant classified as benign is not then subjected to further curation. The score for this variant resulted in a classification of benign for this disease.

Breakthrough Genomics
Classification: Benign. Review status: criteria provided, single submitter. Criteria: ACMG Guidelines, 2015. Collection method: not provided. Allele origin: germline. Inheritance: Autosomal recessive inheritance. Affected: yes.

PreventionGenetics, part of Exact Sciences
Classification: Likely benign for DNMT3B-related condition. Last evaluated: 2019-04-30. Review status: no assertion criteria provided. Collection method: clinical testing. Allele origin: germline. Not counted in ClinVar's aggregate classification.
Comment: This variant is classified as likely benign based on ACMG/AMP sequence variant interpretation guidelines (Richards et al. 2015 PMID: 25741868, with internal and published modifications).